The following is an entry in ClinVar:

ClinVar aggregate classification (germline): Uncertain significance. Review status: criteria provided, single submitter (1 of 4 stars). 2 submissions from 2 submitters: Uncertain significance (1). 1 of the submissions does not count toward it. Last evaluated 2023-06-08.

Allele frequency attached by ClinVar (database versions not stated): gnomAD 0.00038 and 0.00041; gnomAD exomes 0.00043 and 0.00068; TOPMed 0.00049; ESP Exome Variant Server 0.00054; ExAC 0.00037.
gnomAD v4.1: 1,061 of 1,613,958 alleles (0.066%); highest among the groups gnomAD compares: Non-Finnish European, 0.082%; 1 homozygote.

Submissions (2):

GeneDx
Classification: Uncertain significance. Last evaluated: 2023-06-08. Review status: criteria provided, single submitter. Criteria: GeneDx Variant Classification Process June 2021. Collection method: clinical testing. Allele origin: germline. Affected: yes.
Comment: Reported in families with variable cancer phenotypes including medulloblastoma, nonsmall-cell lung cancer, and colorectal cancer; suggested as a cancer susceptibility variant (Kool et al., 2014; Tsao et al., 2017; Toma et al., 2020); In silico analysis supports that this missense variant does not alter protein structure/function; This variant is associated with the following publications: (PMID: Tsao2017[Abstract], Tsao2017[CaseReport], 24728327, 24651015, 31525256, 27535533)

ITMI
No classification provided. Condition: AllHighlyPenetrant. Last evaluated: 2013-09-19. Review status: no classification provided. Collection method: reference population. Allele origin: germline. Not counted in ClinVar's aggregate classification.
Comment: Please see associated publication for description of ethnicities

Literature cited by the submitters: PubMed 24728327 (cited by ITMI).

NM_005631.5(SMO):c.1921C>G (p.Pro641Ala)

Gene: SMO (smoothened, frizzled class receptor; plus strand). Cytogenetic location: 7q32.1.
Variant type: single nucleotide variant.
Coding change: c.1921C>G on transcript NM_005631.5 (MANE Select); coding-DNA position 1921, C replaced by G.
Protein change: p.Pro641Ala; replaces proline 641 with alanine.
Molecular consequence: missense variant.
Genome position (GRCh38, 1-based): chr7:129,211,755, C>G. VCF-style: chr7-129211755-C-G. GRCh37 (hg19) VCF-style: chr7-128851596-C-G.
Other names: c.1921C>G, p.Pro641Ala (LRG_1393t1); short protein forms P641A.
Identifiers: ClinVar variation 135574 (VCV000135574.4), dbSNP rs146200641, ClinGen allele CA163023.